The following is an entry in ClinVar:

NM_000218.3(KCNQ1):c.1514+16452G>A

Genes: KCNQ1 (potassium voltage-gated channel subfamily Q member 1; plus strand), KCNQ1OT1 (KCNQ1 opposite strand/antisense transcript 1; minus strand). Cytogenetic location: 11p15.5.
Variant type: single nucleotide variant.
Coding change: c.1514+16452G>A on transcript NM_000218.3 (MANE Select); 16452 bases into the intron after coding-DNA position 1514, G replaced by A.
Molecular consequence: intron variant. On other transcripts: non-coding transcript variant (1).
Genome position (GRCh38, 1-based): chr11:2,678,533, G>A. VCF-style: chr11-2678533-G-A. GRCh37 (hg19) VCF-style: chr11-2699763-G-A.
Other names: c.1244+16452G>A (NM_001406837.1); c.1418+16452G>A (NM_001406836.1); c.974+16452G>A (NM_001406838.1); c.1133+16452G>A (NM_181798.2).
Identifiers: ClinVar variation 3389360 (VCV003389360.14).
Genomic context (GRCh38, chr11:2,678,533, plus strand): 5'-TCAAACTCTCATTTAATTTGTGTCCATTTCTAGACTCTATTCTGGACTGCTGATGGGCCT[G>A]TTGATAGGCCAGAGCTCAGTTATTTTAATTATGTAACTTTATGATGCACTTATCTGTGTA-3'

ClinVar aggregate classification (germline): Likely benign (1 of 4 stars; one submission).

gnomAD v4.1: 34 of 398,560 alleles (0.0085%); highest among the groups gnomAD compares: South Asian, 0.18%; no homozygotes.

Submission:

CeGaT Center for Human Genetics Tuebingen
Classification: Likely benign. Last evaluated: 2026-04-01. Review status: criteria provided, single submitter. Criteria: CeGaT Center For Human Genetics Tuebingen Variant Classification Criteria Version 2. Collection method: clinical testing. Allele origin: germline. Affected: yes. Observed: 2 variant alleles.
Comment: KCNQ1OT1: BS1